The following is an entry in ClinVar:

NM_000218.3(KCNQ1):c.958C>A (p.Pro320Thr)

Gene: KCNQ1 (potassium voltage-gated channel subfamily Q member 1; plus strand). Cytogenetic location: 11p15.5.
Variant type: single nucleotide variant.
Coding change: c.958C>A on transcript NM_000218.3 (MANE Select); coding-DNA position 958, C replaced by A.
Protein change: p.Pro320Thr; replaces proline 320 with threonine.
Molecular consequence: missense variant.
Genome position (GRCh38, 1-based): chr11:2,583,471, C>A. VCF-style: chr11-2583471-C-A. GRCh37 (hg19) VCF-style: chr11-2604701-C-A.
Other names: c.958C>A, p.Pro320Thr (NM_001406836.1); c.688C>A, p.Pro230Thr (NM_001406837.1); c.514C>A, p.Pro172Thr (NM_001406838.1); c.577C>A, p.Pro193Thr (NM_181798.2); short protein forms P172T, P193T, P230T, P320T.
Identifiers: ClinVar variation 4709530 (VCV004709530.1).

ClinVar aggregate classification (germline): Likely pathogenic (1 of 4 stars; one submission).

Conditions:
Long QT syndrome (LQTS). Identifiers: MedGen C0023976, MeSH D008133, MONDO:0002442. Disease mechanism: loss of function. Inheritance: Various modes of inheritance.

Submission:

Labcorp Genetics (formerly Invitae), Labcorp
Classification: Likely pathogenic for Long QT syndrome. Last evaluated: 2025-11-18. Review status: criteria provided, single submitter. Criteria: Invitae Variant Classification Sherloc (09022015). Collection method: clinical testing. Allele origin: germline.
Comment: This sequence change replaces proline, which is neutral and non-polar, with threonine, which is neutral and polar, at codon 320 of the KCNQ1 protein (p.Pro320Thr). This variant is not present in population databases (gnomAD no frequency). This missense change has been observed in individual(s) with long QT syndrome (internal data). Invitae Evidence Modeling of protein sequence and biophysical properties (such as structural, functional, and spatial information, amino acid conservation, physicochemical variation, residue mobility, and thermodynamic stability) indicates that this missense variant is expected to disrupt KCNQ1 protein function with a positive predictive value of 95%. This variant disrupts the p.Pro320 amino acid residue in KCNQ1. Other variant(s) that disrupt this residue have been determined to be pathogenic (PMID: 23392653; internal data). This suggests that this residue is clinically significant, and that variants that disrupt this residue are likely to be disease-causing. In summary, the currently available evidence indicates that the variant is pathogenic, but additional data are needed to prove that conclusively. Therefore, this variant has been classified as Likely Pathogenic.

Literature cited by the submitters: PubMed 23392653.